The following is an entry in ClinVar:

NM_015909.4(NBAS):c.5983C>T (p.Arg1995Ter)

Gene: NBAS (NBAS subunit of NRZ tethering complex; minus strand). Cytogenetic location: 2p24.3.
Variant type: single nucleotide variant.
Coding change: c.5983C>T on transcript NM_015909.4 (MANE Select); coding-DNA position 5983, C replaced by T.
Protein change: p.Arg1995Ter; replaces arginine 1995 with a stop codon.
Molecular consequence: nonsense. On other transcripts: non-coding transcript variant (1).
Genome position (GRCh38, 1-based): chr2:15,234,708, G>A on the plus strand (C>T on the coding strand, the complement: NBAS is on the minus strand). VCF-style: chr2-15234708-G-A. GRCh37 (hg19) VCF-style: chr2-15374832-G-A.
Other names: c.5983C>T (NM_015909.3); short protein forms R1995*.
Identifiers: ClinVar variation 2163359 (VCV002163359.6), dbSNP rs767134813, ClinGen allele CA42596758.

ClinVar aggregate classification (germline): Pathogenic/Likely pathogenic. Review status: criteria provided, multiple submitters, no conflicts (2 of 4 stars). 3 submissions from 3 submitters: Pathogenic (2); Likely pathogenic (1). Last evaluated 2025-01-16.

Conditions:
Short stature-optic atrophy-Pelger-Huët anomaly syndrome. Also called: Short stature-optic atrophy-Pelger-HuC+t anomaly syndrome; Short stature, optic nerve atrophy, and Pelger-Huet anomaly. Identifiers: Orphanet 391677, MedGen C3541319, MONDO:0013889, OMIM 614800.
Infantile liver failure syndrome 2 (ILFS2). Identifiers: MedGen C3809651, MONDO:0014659, OMIM 616483.

gnomAD v4.1: 13 of 1,613,950 alleles (0.00081%); highest among the groups gnomAD compares: Admixed American, 0.0017%; no homozygotes.

Submissions (3):

First Genomix Gene Laboratory, Genetic Diagnostics Department
Classification: Likely pathogenic for Infantile liver failure syndrome 2; Short stature-optic atrophy-Pelger-Huët anomaly syndrome. Last evaluated: 2025-01-16. Review status: criteria provided, single submitter. Criteria: ACMG Guidelines, 2015. Collection method: clinical testing. Allele origin: germline. Inheritance: Autosomal recessive inheritance. Affected: no. Observed: 1 variant allele.

Labcorp Genetics (formerly Invitae), Labcorp
Classification: Pathogenic. Last evaluated: 2024-07-21. Review status: criteria provided, single submitter. Criteria: Invitae Variant Classification Sherloc (09022015). Collection method: clinical testing. Allele origin: germline.
Comment: This sequence change creates a premature translational stop signal (p.Arg1995*) in the NBAS gene. It is expected to result in an absent or disrupted protein product. Loss-of-function variants in NBAS are known to be pathogenic (PMID: 26073778, 26541327, 27789416, 28031453). This variant is present in population databases (no rsID available, gnomAD 0.003%). This variant has not been reported in the literature in individuals affected with NBAS-related conditions. ClinVar contains an entry for this variant (Variation ID: 2163359). For these reasons, this variant has been classified as Pathogenic.

GeneDx
Classification: Pathogenic. Last evaluated: 2023-05-17. Review status: criteria provided, single submitter. Criteria: GeneDx Variant Classification Process June 2021. Collection method: clinical testing. Allele origin: germline. Affected: yes.
Comment: Reported as likely pathogenic in study examining the worldwide carrier frequency of autosomal recessive inherited retinal diseases, but additional evidence is not available (Hanany et al., 2020); Nonsense variant predicted to result in protein truncation or nonsense mediated decay in a gene for which loss of function is a known mechanism of disease; Not observed at significant frequency in large population cohorts (gnomAD); This variant is associated with the following publications: (PMID: 31964843)

Literature cited by the submitters: PubMed 26073778 (cited by Labcorp Genetics (formerly Invitae), Labcorp); PubMed 26541327 (cited by Labcorp Genetics (formerly Invitae), Labcorp); PubMed 27789416 (cited by Labcorp Genetics (formerly Invitae), Labcorp); PubMed 28031453 (cited by Labcorp Genetics (formerly Invitae), Labcorp).